The following is an entry in ClinVar:

ClinVar aggregate classification (germline): Uncertain significance (1 of 4 stars; one submission).

gnomAD v4.1: 12 of 1,613,504 alleles (0.00074%); highest among the groups gnomAD compares: Non-Finnish European, 0.00093%; no homozygotes.

Submission:

Labcorp Genetics (formerly Invitae), Labcorp
Classification: Uncertain significance. Last evaluated: 2024-04-25. Review status: criteria provided, single submitter. Criteria: Invitae Variant Classification Sherloc (09022015). Collection method: clinical testing. Allele origin: germline.
Comment: This sequence change replaces alanine, which is neutral and non-polar, with proline, which is neutral and non-polar, at codon 409 of the CREB3L3 protein (p.Ala409Pro). This variant is present in population databases (rs144785273, gnomAD 0.002%). This variant has not been reported in the literature in individuals affected with CREB3L3-related conditions. Algorithms developed to predict the effect of missense changes on protein structure and function output the following: SIFT: "Not Available"; PolyPhen-2: "Benign"; Align-GVGD: "Not Available". The proline amino acid residue is found in multiple mammalian species, which suggests that this missense change does not adversely affect protein function. In summary, the available evidence is currently insufficient to determine the role of this variant in disease. Therefore, it has been classified as a Variant of Uncertain Significance.

NM_032607.3(CREB3L3):c.1225G>C (p.Ala409Pro)

Genes: CREB3L3 (cAMP responsive element binding protein 3 like 3; plus strand), LOC125371455 (Sharpr-MPRA regulatory region 11650; plus strand). Cytogenetic location: 19p13.3.
Variant type: single nucleotide variant.
Coding change: c.1225G>C on transcript NM_032607.3 (MANE Select); coding-DNA position 1225, G replaced by C.
Protein change: p.Ala409Pro; replaces alanine 409 with proline.
Molecular consequence: missense variant. On other transcripts: 3 prime UTR variant (1).
Genome position (GRCh38, 1-based): chr19:4,171,808, G>C. VCF-style: chr19-4171808-G-C. GRCh37 (hg19) VCF-style: chr19-4171805-G-C.
Other names: c.1222G>C, p.Ala408Pro (NM_001271995.2); c.1219G>C, p.Ala407Pro (NM_001271996.2); c.*104G>C (NM_001271997.2); short protein forms A407P, A408P, A409P.
Identifiers: ClinVar variation 3619055 (VCV003619055.2).